The following is an entry in ClinVar:

NM_004715.5(CTDP1):c.2235C>T (p.Pro745=)

Gene: CTDP1 (CTD phosphatase 1; plus strand). Cytogenetic location: 18q23.
Variant type: single nucleotide variant.
Coding change: c.2235C>T on transcript NM_004715.5 (MANE Select); coding-DNA position 2235, C replaced by T.
Protein change: p.Pro745=; no amino-acid change (proline 745 retained).
Molecular consequence: synonymous variant.
Genome position (GRCh38, 1-based): chr18:79,717,834, C>T. VCF-style: chr18-79717834-C-T. GRCh37 (hg19) VCF-style: chr18-77477834-C-T.
Other names: c.1878C>T, p.Pro626= (NM_001202504.1); c.2235C>T, p.Pro745= (NM_001318511.2, NM_048368.4).
Identifiers: ClinVar variation 1971139 (VCV001971139.7), dbSNP rs374012605, ClinGen allele CA303774794.
Genomic context (GRCh38, chr18:79,717,834, plus strand): 5'-GCCCCGCTCATGGCCCTCGTTCTCTTCCTCCGACAGGGAGAACAGCCCTGCGGCCTTTCC[C>T]GACCGGGAGGGTGTGCCCCCCACCGCCTTGTTCCACCCGATGCCGGTTCTTCCCAAGGCC-3'
Protein context (NP_004706.3, residues 735-755): AQRENSPAAF[Pro745=]DREGVPPTAL

ClinVar aggregate classification (germline): Likely benign. Review status: criteria provided, multiple submitters, no conflicts (2 of 4 stars). 3 submissions from 3 submitters: Likely benign (3). Last evaluated 2026-05-03.

Conditions:
CTDP1-related disorder. Also called: CTDP1-related condition.

Allele frequency attached by ClinVar (database versions not stated): gnomAD exomes 0.00001; gnomAD 0.00006; TOPMed 0.00006; ESP Exome Variant Server 0.00008.
gnomAD v4.1: 32 of 1,613,614 alleles (0.002%); highest among the groups gnomAD compares: African/African-American, 0.024%; no homozygotes.

Submissions (3):

PreventionGenetics, part of Exact Sciences
Classification: Likely benign for CTDP1-related condition. Last evaluated: 2026-05-03. Review status: criteria provided, single submitter. Criteria: ACMG Guidelines, 2015. Collection method: clinical testing. Allele origin: germline.
Comment: This variant is classified as likely benign based on ACMG/AMP sequence variant interpretation guidelines (Richards et al. 2015 PMID: 25741868, with internal and published modifications).

Labcorp Genetics (formerly Invitae), Labcorp
Classification: Likely benign. Last evaluated: 2025-07-09. Review status: criteria provided, single submitter. Criteria: Invitae Variant Classification Sherloc (09022015). Collection method: clinical testing. Allele origin: germline.

Ambry Genetics
Classification: Likely benign. Last evaluated: 2025-03-03. Review status: criteria provided, single submitter. Criteria: Ambry Variant Classification Scheme 2023. Collection method: clinical testing. Allele origin: germline.